The following is an entry in ClinVar:

ClinVar aggregate classification (germline): Uncertain significance. Review status: criteria provided, multiple submitters, no conflicts (2 of 4 stars). 2 submissions from 2 submitters: Uncertain significance (2). Last evaluated 2025-02-10.

Conditions:
Inborn genetic diseases. Identifiers: MedGen C0950123, MeSH D030342.

Allele frequency attached by ClinVar (database versions not stated): gnomAD exomes below 0.00001 and 0.00001; gnomAD 0.00003 and 0.00004; TOPMed 0.00005.
gnomAD v4.1: 13 of 1,613,832 alleles (0.00081%); highest among the groups gnomAD compares: African/African-American, 0.012%; no homozygotes.

Submissions (2):

Ambry Genetics
Classification: Uncertain significance for Inborn genetic diseases. Last evaluated: 2025-02-10. Review status: criteria provided, single submitter. Criteria: Ambry Variant Classification Scheme 2023. Collection method: clinical testing. Allele origin: germline.

Labcorp Genetics (formerly Invitae), Labcorp
Classification: Uncertain significance. Last evaluated: 2021-08-31. Review status: criteria provided, single submitter. Criteria: Invitae Variant Classification Sherloc (09022015). Collection method: clinical testing. Allele origin: germline.
Comment: This sequence change replaces methionine with isoleucine at codon 459 of the GRM6 protein (p.Met459Ile). The methionine residue is moderately conserved and there is a small physicochemical difference between methionine and isoleucine. This variant is not present in population databases (ExAC no frequency). This variant has not been reported in the literature in individuals affected with GRM6-related conditions. Algorithms developed to predict the effect of missense changes on protein structure and function (SIFT, PolyPhen-2, Align-GVGD) all suggest that this variant is likely to be tolerated. In summary, the available evidence is currently insufficient to determine the role of this variant in disease. Therefore, it has been classified as a Variant of Uncertain Significance.

NM_000843.4(GRM6):c.1377G>A (p.Met459Ile)

Genes: GRM6 (glutamate metabotropic receptor 6; minus strand), ZNF454 (zinc finger protein 454; plus strand). Cytogenetic location: 5q35.3.
Variant type: single nucleotide variant.
Coding change: c.1377G>A on transcript NM_000843.4 (MANE Select); coding-DNA position 1377, G replaced by A.
Protein change: p.Met459Ile; replaces methionine 459 with isoleucine.
Molecular consequence: missense variant.
Genome position (GRCh38, 1-based): chr5:178,986,961, C>T on the plus strand (G>A on the coding strand, the complement: GRM6 is on the minus strand). VCF-style: chr5-178986961-C-T. GRCh37 (hg19) VCF-style: chr5-178413962-C-T.
Other names: short protein forms M459I.
Identifiers: ClinVar variation 836827 (VCV000836827.8), dbSNP rs1432548155, ClinGen allele CA362429430.
Genomic context (GRCh38, chr5:178,986,961, plus strand): 5'-ATTGGTCGCCTGGTACTGGAAGATGTCGTACCGCCCGGGCGCATCTCCGTTCTCGTTGAA[C>T]ATCACAGGGGTTCCTGCGCTGCCTGGAGAGAGAGTCCGTCATCCTCGGTGGTCCTCCAGC-3'
Protein context (NP_000834.2, residues 449-469): RFNGSAGTPV[Met459Ile]FNENGDAPGR